The following is an entry in ClinVar:

NM_006922.4(SCN3A):c.3097A>C (p.Lys1033Gln)

Gene: SCN3A (sodium voltage-gated channel alpha subunit 3; minus strand). Cytogenetic location: 2q24.3.
Variant type: single nucleotide variant.
Coding change: c.3097A>C on transcript NM_006922.4 (MANE Select); coding-DNA position 3097, A replaced by C.
Protein change: p.Lys1033Gln; replaces lysine 1033 with glutamine.
Molecular consequence: missense variant.
Genome position (GRCh38, 1-based): chr2:165,127,927, T>G on the plus strand (A>C on the coding strand, the complement: SCN3A is on the minus strand). VCF-style: chr2-165127927-T-G. GRCh37 (hg19) VCF-style: chr2-165984437-T-G.
Other names: c.2950A>C, p.Lys984Gln (NM_001081676.2, NM_001081677.2); short protein forms K1033Q, K984Q.
Identifiers: ClinVar variation 3622317 (VCV003622317.2).

ClinVar aggregate classification (germline): Uncertain significance (1 of 4 stars; one submission).

gnomAD v4.1: 1 of 1,614,152 alleles (0.000062%); highest among the groups gnomAD compares: Admixed American, 0.0017%; no homozygotes.

Submission:

Labcorp Genetics (formerly Invitae), Labcorp
Classification: Uncertain significance. Last evaluated: 2025-01-23. Review status: criteria provided, single submitter. Criteria: Invitae Variant Classification Sherloc (09022015). Collection method: clinical testing. Allele origin: germline.
Comment: This sequence change replaces lysine, which is basic and polar, with glutamine, which is neutral and polar, at codon 1033 of the SCN3A protein (p.Lys1033Gln). This variant is present in population databases (no rsID available, gnomAD 0.003%). This variant has not been reported in the literature in individuals affected with SCN3A-related conditions. Invitae Evidence Modeling of protein sequence and biophysical properties (such as structural, functional, and spatial information, amino acid conservation, physicochemical variation, residue mobility, and thermodynamic stability) indicates that this missense variant is not expected to disrupt SCN3A protein function with a negative predictive value of 95%. In summary, the available evidence is currently insufficient to determine the role of this variant in disease. Therefore, it has been classified as a Variant of Uncertain Significance.